The following is an entry in ClinVar:

NM_032578.4(MYPN):c.2905G>T (p.Val969Phe)

Gene: MYPN (myopalladin; plus strand). Cytogenetic location: 10q21.3.
Variant type: single nucleotide variant.
Coding change: c.2905G>T on transcript NM_032578.4 (MANE Select); coding-DNA position 2905, G replaced by T.
Protein change: p.Val969Phe; replaces valine 969 with phenylalanine.
Molecular consequence: missense variant. On other transcripts: non-coding transcript variant (2).
Genome position (GRCh38, 1-based): chr10:68,189,106, G>T. VCF-style: chr10-68189106-G-T. GRCh37 (hg19) VCF-style: chr10-69948863-G-T.
Other names: c.2905G>T, p.Val969Phe (NM_001256267.2); c.2023G>T, p.Val675Phe (NM_001256268.2); short protein forms V675F, V969F.
Identifiers: ClinVar variation 3402111 (VCV003402111.1).

ClinVar aggregate classification (germline): Uncertain significance (1 of 4 stars; one submission).

Conditions:
Cardiovascular phenotype. Identifiers: MedGen CN230736.

Submission:

Ambry Genetics
Classification: Uncertain significance for Cardiovascular phenotype. Last evaluated: 2024-10-29. Review status: criteria provided, single submitter. Criteria: Ambry Variant Classification Scheme 2023. Collection method: clinical testing. Allele origin: germline.
Comment: The p.V969F variant (also known as c.2905G>T), located in coding exon 12 of the MYPN gene, results from a G to T substitution at nucleotide position 2905. The valine at codon 969 is replaced by phenylalanine, an amino acid with highly similar properties. This amino acid position is conserved. In addition, the in silico prediction for this alteration is inconclusive. Based on the available evidence, the clinical significance of this variant remains unclear.